The following is an entry in ClinVar:

ClinVar aggregate classification (germline): Uncertain significance (1 of 4 stars; one submission).

Conditions:
Moyamoya disease 2 (MYMY2). Also called: MOYAMOYA DISEASE 2, SUSCEPTIBILITY TO. Identifiers: Orphanet 2573, MedGen C1846689, MONDO:0011784, OMIM 607151.

Allele frequency attached by ClinVar (database versions not stated): TOPMed below 0.00001; gnomAD 0.00001.
gnomAD v4.1: 88 of 1,614,010 alleles (0.0055%); highest among the groups gnomAD compares: Non-Finnish European, 0.0073%; no homozygotes.

Submission:

Baylor Genetics
Classification: Uncertain significance for Moyamoya disease 2. Last evaluated: 2018-02-09. Review status: criteria provided, single submitter. Criteria: ACMG Guidelines, 2015. Collection method: clinical testing. Allele origin: maternal. Affected: yes.
Comment: This variant was determined to be of uncertain significance according to ACMG Guidelines, 2015 [PMID:25741868].

NM_001256071.3(RNF213):c.1837G>T (p.Asp613Tyr)

Gene: RNF213 (ring finger protein 213; plus strand). Cytogenetic location: 17q25.3.
Variant type: single nucleotide variant.
Coding change: c.1837G>T on transcript NM_001256071.3 (MANE Select); coding-DNA position 1837, G replaced by T.
Protein change: p.Asp613Tyr; replaces aspartic acid 613 with tyrosine.
Molecular consequence: missense variant.
Genome position (GRCh38, 1-based): chr17:80,295,638, G>T. VCF-style: chr17-80295638-G-T. GRCh37 (hg19) VCF-style: chr17-78269438-G-T.
Other names: c.1837G>T, p.Asp613Tyr (NM_020954.4); short protein forms D613Y.
Identifiers: ClinVar variation 1033795 (VCV001033795.1), dbSNP rs1383472329, ClinGen allele CA401373434.